The following is an entry in ClinVar:

NM_003126.4(SPTA1):c.6789-19_6789-17dup

Gene: SPTA1 (spectrin alpha, erythrocytic 1; minus strand). Cytogenetic location: 1q23.1.
Variant type: Duplication.
Coding change: c.6789-19_6789-17dup on transcript NM_003126.4 (MANE Select); 19 bases into the intron before coding-DNA position 6789 through 17 bases into the intron before coding-DNA position 6789, 3 bases duplicated (TTT; older notation c.6789-19_6789-17dupTTT).
Molecular consequence: intron variant.
Genome position (GRCh38, 1-based): chr1:158,614,314-158,614,316, AAA duplicated on the plus strand (TTT on the coding strand, the reverse complement: SPTA1 is on the minus strand); duplicating any 3 consecutive bases within chr1:158,614,314-158,614,325 gives the same sequence; the c. name uses the placement nearest the transcript's 3' end. VCF-style (leftmost placement, unchanged base first): chr1-158614313-G-GAAA. GRCh37 (hg19) VCF-style: chr1-158584103-G-GAAA.
Other names: p.?; c.6789-10_6789-8dup (NM_003126.4).
Identifiers: ClinVar variation 292948 (VCV000292948.12), dbSNP rs5778083, ClinGen allele CA1181843.

ClinVar aggregate classification (germline): Conflicting classifications of pathogenicity. Review status: criteria provided, conflicting classifications (1 of 4 stars). 4 submissions from 4 submitters: Uncertain significance (1); Benign (1); Likely benign (2). Last evaluated 2026-01-18.

Submissions (4):

Labcorp Genetics (formerly Invitae), Labcorp
Classification: Benign. Last evaluated: 2026-01-18. Review status: criteria provided, single submitter. Criteria: Invitae Variant Classification Sherloc (09022015). Collection method: clinical testing. Allele origin: germline.

Mayo Clinic Laboratories, Mayo Clinic
Classification: Likely benign. Last evaluated: 2024-12-20. Review status: criteria provided, single submitter. Criteria: ACMG Guidelines, 2015. Collection method: clinical testing. Allele origin: germline. Observed: 36 variant alleles.
Comment: BS1, BS2, BP4

Blueprint Genetics
Classification: Likely benign. Last evaluated: 2024-11-25. Review status: criteria provided, single submitter. Criteria: ACMG Guidelines, 2015. Collection method: clinical testing. Allele origin: germline.

Breakthrough Genomics
Classification: Uncertain significance. Review status: criteria provided, single submitter. Criteria: ACMG Guidelines, 2015. Collection method: not provided. Allele origin: germline. Inheritance: Autosomal recessive inheritance. Affected: yes.